The following is an entry in ClinVar:

ClinVar aggregate classification (germline): Uncertain significance. Review status: criteria provided, multiple submitters, no conflicts (2 of 4 stars). 7 submissions from 6 submitters: Uncertain significance (6). 1 of the submissions does not count toward it. Last evaluated 2024-09-13.

Conditions:
Usher syndrome type 2A. Also called: RETINAL DISEASE IN USHER SYNDROME TYPE IIA, MODIFIER OF; USHER SYNDROME, TYPE IIA. Identifiers: Orphanet 231178, Orphanet 886, MedGen C1848634, MONDO:0010169, OMIM 276901.
Inborn genetic diseases. Identifiers: MedGen C0950123, MeSH D030342.
Retinitis pigmentosa 39 (RP39). Identifiers: Orphanet 791, MedGen C3151138, MONDO:0013436, OMIM 613809.

Allele frequency attached by ClinVar (database versions not stated): ExAC 0.00008; gnomAD exomes 0.00008 and 0.00023; TOPMed 0.00008; gnomAD 0.00009; ESP Exome Variant Server 0.00015; 1000 Genomes Project 30x 0.00016; 1000 Genomes Project 0.00020.
gnomAD v4.1: 343 of 1,614,042 alleles (0.021%); highest among the groups gnomAD compares: Non-Finnish European, 0.028%; no homozygotes.

Submissions (7):

Blueprint Genetics
Classification: Uncertain significance. Last evaluated: 2024-09-13. Review status: criteria provided, single submitter. Criteria: ACMG Guidelines, 2015. Collection method: clinical testing. Allele origin: germline.

Ambry Genetics
Classification: Uncertain significance for Inborn genetic diseases. Last evaluated: 2024-04-19. Review status: criteria provided, single submitter. Criteria: Ambry Variant Classification Scheme 2023. Collection method: clinical testing. Allele origin: germline.

Genome-Nilou Lab
Classification: Uncertain significance for Retinitis pigmentosa 39. Last evaluated: 2023-11-04. Review status: criteria provided, single submitter. Criteria: ACMG Guidelines, 2015. Collection method: clinical testing. Allele origin: germline. Affected: no.

Genome-Nilou Lab
Classification: Uncertain significance for Usher syndrome type 2A. Last evaluated: 2023-11-04. Review status: criteria provided, single submitter. Criteria: ACMG Guidelines, 2015. Collection method: clinical testing. Allele origin: germline. Affected: no.

Labcorp Genetics (formerly Invitae), Labcorp
Classification: Uncertain significance. Last evaluated: 2022-10-01. Review status: criteria provided, single submitter. Criteria: Invitae Variant Classification Sherloc (09022015). Collection method: clinical testing. Allele origin: germline.
Comment: This sequence change replaces proline, which is neutral and non-polar, with serine, which is neutral and polar, at codon 1076 of the USH2A protein (p.Pro1076Ser). This variant is present in population databases (rs139089840, gnomAD 0.02%). This variant has not been reported in the literature in individuals affected with USH2A-related conditions. ClinVar contains an entry for this variant (Variation ID: 848666). Advanced modeling of protein sequence and biophysical properties (such as structural, functional, and spatial information, amino acid conservation, physicochemical variation, residue mobility, and thermodynamic stability) has been performed at Invitae for this missense variant, however the output from this modeling did not meet the statistical confidence thresholds required to predict the impact of this variant on USH2A protein function. In summary, the available evidence is currently insufficient to determine the role of this variant in disease. Therefore, it has been classified as a Variant of Uncertain Significance.

GeneDx
Classification: Uncertain significance. Last evaluated: 2022-08-25. Review status: criteria provided, single submitter. Criteria: GeneDx Variant Classification Process June 2021. Collection method: clinical testing. Allele origin: germline. Affected: yes.
Comment: In silico analysis, which includes protein predictors and evolutionary conservation, supports a deleterious effect; Has not been previously published as pathogenic or benign to our knowledge

Natera, Inc.
Classification: Uncertain significance for Usher syndrome type 2A. Last evaluated: 2020-09-16. Review status: no assertion criteria provided. Collection method: clinical testing. Allele origin: germline. Not counted in ClinVar's aggregate classification.

NM_206933.4(USH2A):c.3226C>T (p.Pro1076Ser)

Genes: USH2A-AS1 (USH2A antisense RNA 1; plus strand), USH2A (usherin; minus strand). Cytogenetic location: 1q41.
Variant type: single nucleotide variant.
Coding change: c.3226C>T on transcript NM_206933.4 (MANE Select); coding-DNA position 3226, C replaced by T.
Protein change: p.Pro1076Ser; replaces proline 1076 with serine.
Molecular consequence: missense variant.
Genome position (GRCh38, 1-based): chr1:216,207,363, G>A on the plus strand (C>T on the coding strand, the complement: USH2A is on the minus strand). VCF-style: chr1-216207363-G-A. GRCh37 (hg19) VCF-style: chr1-216380705-G-A.
Other names: c.3226C>T, p.Pro1076Ser (NM_007123.6); short protein forms P1076S.
Identifiers: ClinVar variation 848666 (VCV000848666.12), dbSNP rs139089840, ClinGen allele CA1396048.